The following is an entry in ClinVar:

ClinVar aggregate classification (germline): Uncertain significance (1 of 4 stars; one submission).

Submission:

Labcorp Genetics (formerly Invitae), Labcorp
Classification: Uncertain significance. Last evaluated: 2021-10-28. Review status: criteria provided, single submitter. Criteria: Invitae Variant Classification Sherloc (09022015). Collection method: clinical testing. Allele origin: germline.
Comment: This variant has not been reported in the literature in individuals affected with ABCA4-related conditions. In summary, the available evidence is currently insufficient to determine the role of this variant in disease. Therefore, it has been classified as a Variant of Uncertain Significance. Advanced modeling of protein sequence and biophysical properties (such as structural, functional, and spatial information, amino acid conservation, physicochemical variation, residue mobility, and thermodynamic stability) performed at Invitae indicates that this missense variant is not expected to disrupt ABCA4 protein function. This variant is not present in population databases (gnomAD no frequency). This sequence change replaces leucine, which is neutral and non-polar, with proline, which is neutral and non-polar, at codon 2179 of the ABCA4 protein (p.Leu2179Pro).

NM_000350.3(ABCA4):c.6536T>C (p.Leu2179Pro)

Gene: ABCA4 (ATP binding cassette subfamily A member 4; minus strand). Cytogenetic location: 1p22.1.
Variant type: single nucleotide variant.
Coding change: c.6536T>C on transcript NM_000350.3 (MANE Select); coding-DNA position 6536, T replaced by C.
Protein change: p.Leu2179Pro; replaces leucine 2179 with proline.
Molecular consequence: missense variant.
Genome position (GRCh38, 1-based): chr1:93,998,054, A>G on the plus strand (T>C on the coding strand, the complement: ABCA4 is on the minus strand). VCF-style: chr1-93998054-A-G. GRCh37 (hg19) VCF-style: chr1-94463610-A-G.
Other names: c.6314T>C, p.Leu2105Pro (NM_001425324.1); short protein forms L2179P, L2105P.
Identifiers: ClinVar variation 1389943 (VCV001389943.6), dbSNP rs2100988269, ClinGen allele CA341276635.